The following is an entry in ClinVar:

ClinVar aggregate classification (germline): Pathogenic (1 of 4 stars; one submission).

Conditions:
Hereditary nonpolyposis colorectal neoplasms. Identifiers: MedGen C0009405, MeSH D003123.

Submission:

Labcorp Genetics (formerly Invitae), Labcorp
Classification: Pathogenic for Hereditary nonpolyposis colorectal neoplasms. Last evaluated: 2022-08-21. Review status: criteria provided, single submitter. Criteria: Invitae Variant Classification Sherloc (09022015). Collection method: clinical testing. Allele origin: germline.
Comment: For these reasons, this variant has been classified as Pathogenic. This variant has not been reported in the literature in individuals affected with PMS2-related conditions. This variant is a gross deletion of the genomic region encompassing exon(s) 3-5 of the PMS2 gene. This deletion is out-of-frame, and is expected to create a premature termination codon and result in an absent or disrupted protein product. Loss-of-function variants in PMS2 are known to be pathogenic (PMID: 21376568, 24362816).

Literature cited by the submitters: PubMed 21376568; PubMed 24362816.

NC_000007.14:g.(?_6002443)_(6004068_?)del

Gene: PMS2 (PMS1 homolog 2, mismatch repair system component; minus strand). Cytogenetic location: 7p22.1.
Variant type: Deletion.
Identifiers: ClinVar variation 583709 (VCV000583709.6).